The following is an entry in ClinVar:

ClinVar aggregate classification (germline): Uncertain significance (1 of 4 stars; one submission).

Allele frequency attached by ClinVar (database versions not stated): TOPMed below 0.00001.

Submission:

Laboratory for Molecular Medicine, Mass General Brigham Personalized Medicine
Classification: Uncertain significance. Last evaluated: 2013-11-13. Review status: criteria provided, single submitter. Criteria: LMM Criteria. Collection method: clinical testing. Allele origin: germline. Observed: 1 variant allele.
Comment: Variant classified as Uncertain Significance - Favor Pathogenic. The Ala428Val v ariant in SLC26A4 has not been previously reported in individuals with hearing l oss or in large population studies. Computational analyses (biochemical amino ac id properties, conservation, AlignGVGD, PolyPhen2, and SIFT) suggest that the Al a428Val variant may impact the protein, though this information is not predictiv e enough to determine pathogenicity. In summary, the clinical significance of th is variant cannot be determined with certainty; however based upon its presence in an individual with hearing loss and EVA, which is consistent with SLC26A4 rel ated hearing loss, and the computational data, we would lean towards a more like ly pathogenic role.

NM_000441.2(SLC26A4):c.1283C>T (p.Ala428Val)

Gene: SLC26A4 (solute carrier family 26 member 4; plus strand). Cytogenetic location: 7q22.3.
Variant type: single nucleotide variant.
Coding change: c.1283C>T on transcript NM_000441.2 (MANE Select); coding-DNA position 1283, C replaced by T.
Protein change: p.Ala428Val; replaces alanine 428 with valine.
Molecular consequence: missense variant.
Genome position (GRCh38, 1-based): chr7:107,694,422, C>T. VCF-style: chr7-107694422-C-T. GRCh37 (hg19) VCF-style: chr7-107334867-C-T.
Other names: short protein forms A428V.
Identifiers: ClinVar variation 179374 (VCV000179374.5), dbSNP rs727504824, ClinGen allele CA184297.